The following is an entry in ClinVar:

NM_002474.3(MYH11):c.2446A>T (p.Met816Leu)

Gene: MYH11 (myosin heavy chain 11; minus strand). Cytogenetic location: 16p13.11.
Variant type: single nucleotide variant.
Coding change: c.2446A>T on transcript NM_002474.3 (MANE Select); coding-DNA position 2446, A replaced by T.
Protein change: p.Met816Leu; replaces methionine 816 with leucine.
Molecular consequence: missense variant.
Genome position (GRCh38, 1-based): chr16:15,745,203, T>A on the plus strand (A>T on the coding strand, the complement: MYH11 is on the minus strand). VCF-style: chr16-15745203-T-A. GRCh37 (hg19) VCF-style: chr16-15839060-T-A.
Other names: c.2467A>T, p.Met823Leu (NM_001040113.2, NM_001040114.2); c.2446A>T, p.Met816Leu (NM_022844.3); short protein forms M823L, M816L.
Identifiers: ClinVar variation 465717 (VCV000465717.8), dbSNP rs1243566183, ClinGen allele CA394866877.
Genomic context (GRCh38, chr16:15,745,203, plus strand): 5'-TCCACCACTGCCAGTTCCGCAGCTTGAGGTAGGCGGCGCAGTTCCTCTGAATCACCTTCA[T>A]GGCGGTCAGCTGCTGCTGCCTCTTGGCAAAAGCCCTAGGGAGGGGGGAAGAGAAGGTGCG-3'
Protein context (NP_002465.1, residues 806-826): FAKRQQQLTA[Met816Leu]KVIQRNCAAY

ClinVar aggregate classification (germline): Uncertain significance (1 of 4 stars; one submission).

Conditions:
Aortic aneurysm, familial thoracic 4 (AAT4). Also called: AORTIC ANEURYSM/AORTIC DISSECTION AND PATENT DUCTUS ARTERIOSUS. Identifiers: MedGen C1851504, MONDO:0007568, OMIM 132900.

Submission:

Labcorp Genetics (formerly Invitae), Labcorp
Classification: Uncertain significance for Aortic aneurysm, familial thoracic 4. Last evaluated: 2022-12-06. Review status: criteria provided, single submitter. Criteria: Invitae Variant Classification Sherloc (09022015). Collection method: clinical testing. Allele origin: germline.
Comment: In summary, the available evidence is currently insufficient to determine the role of this variant in disease. Therefore, it has been classified as a Variant of Uncertain Significance. Advanced modeling of protein sequence and biophysical properties (such as structural, functional, and spatial information, amino acid conservation, physicochemical variation, residue mobility, and thermodynamic stability) performed at Invitae indicates that this missense variant is not expected to disrupt MYH11 protein function. ClinVar contains an entry for this variant (Variation ID: 465717). This variant has not been reported in the literature in individuals affected with MYH11-related conditions. This variant is not present in population databases (gnomAD no frequency). This sequence change replaces methionine, which is neutral and non-polar, with leucine, which is neutral and non-polar, at codon 823 of the MYH11 protein (p.Met823Leu).